The following is an entry in ClinVar:

ClinVar aggregate classification (germline): Conflicting classifications of pathogenicity. Review status: criteria provided, conflicting classifications (1 of 4 stars). 5 submissions from 5 submitters: Pathogenic (2); Likely pathogenic (1); Uncertain significance (2). Last evaluated 2023-06-30.

Conditions:
Neurofibromatosis, type 1 (NF1). Also called: Neurofibromatosis, type I; VON RECKLINGHAUSEN DISEASE; NEUROFIBROMATOSIS, TYPE I, SOMATIC; Peripheral type neurofibromatosis. Identifiers: Orphanet 636, MedGen C0027831, MONDO:0018975, OMIM 162200. Disease mechanism: loss of function.

gnomAD v4.1: 1 of 1,595,962 alleles (0.000063%); no homozygotes.

Submissions (5):

Labcorp Genetics (formerly Invitae), Labcorp
Classification: Uncertain significance for Neurofibromatosis, type 1. Last evaluated: 2023-06-30. Review status: criteria provided, single submitter. Criteria: Invitae Variant Classification Sherloc (09022015). Collection method: clinical testing. Allele origin: germline.
Comment: ClinVar contains an entry for this variant (Variation ID: 422739). This sequence change falls in intron 43 of the NF1 gene. It does not directly change the encoded amino acid sequence of the NF1 protein. This variant is not present in population databases (gnomAD no frequency). This variant has been observed in individual(s) with clinical features of neurofibromatosis, type 1 (PMID: 32126153). Studies have shown that this variant is associated with altered splicing resulting in unknown protein product impact (PMID: 32126153). In summary, the available evidence is currently insufficient to determine the role of this variant in disease. Therefore, it has been classified as a Variant of Uncertain Significance.

Institute of Human Genetics, Medical University Innsbruck
Classification: Pathogenic for Neurofibromatosis, type 1. Last evaluated: 2020-01-20. Review status: criteria provided, single submitter. Criteria: ACMG Guidelines, 2015. Collection method: clinical testing. Allele origin: germline. Affected: yes.

UAB Medical Genomics Laboratory, UAB Medicine
Classification: Pathogenic for Neurofibromatosis, type 1. Last evaluated: 2020-01-20. Review status: criteria provided, single submitter. Criteria: ACMG Guidelines, 2015. Collection method: clinical testing. Allele origin: germline. Affected: yes.

GeneDx
Classification: Uncertain significance. Last evaluated: 2016-11-10. Review status: criteria provided, single submitter. Criteria: GeneDx Variant Classification (06012015). Collection method: clinical testing. Allele origin: germline. Affected: yes.
Comment: This variant is denoted NF1 c.6642-17G>A or IVS43-17G>A and consists of a G>A nucleotide substitution at the -17 position of intron 43 of the NF1 gene. This variant has not, to our knowledge, been published in the literature as pathogenic or benign. In silico models are uninformative, and in the absence of RNA or functional studies, the actual effect of this variant is unknown. NF1 c.6642-17G>A was not observed in approximately 6,500 individuals of European and African American ancestry in the NHLBI Exome Sequencing Project, suggesting it is not a common benign variant in these populations. The guanine (G) nucleotide that is altered is not conserved across species. Based on currently available information, it is unclear whether NF1 c.6642-17G>A is pathogenic or benign. We consider it to be a variant of uncertain significance.

Center for Human Genetics, Inc
Classification: Likely pathogenic for Neurofibromatosis, type 1. Last evaluated: 2016-11-01. Review status: criteria provided, single submitter. Criteria: ACMG Guidelines, 2015. Collection method: clinical testing. Allele origin: germline. Affected: yes.

Literature cited by the submitters: PubMed 32126153 (cited by Labcorp Genetics (formerly Invitae), Labcorp and UAB Medical Genomics Laboratory, UAB Medicine); DOI 10.1002/humu.24005 (cited by Institute of Human Genetics, Medical University Innsbruck).

NM_001042492.3(NF1):c.6705-17G>A

Gene: NF1 (neurofibromin 1; plus strand). Cytogenetic location: 17q11.2.
Variant type: single nucleotide variant.
Coding change: c.6705-17G>A on transcript NM_001042492.3 (MANE Select); 17 bases into the intron before coding-DNA position 6705, G replaced by A.
Molecular consequence: intron variant.
Genome position (GRCh38, 1-based): chr17:31,338,008, G>A. VCF-style: chr17-31338008-G-A. GRCh37 (hg19) VCF-style: chr17-29665026-G-A.
Other names: c.6642-17G>A (NM_000267.4).
Identifiers: ClinVar variation 422739 (VCV000422739.10), dbSNP rs1064795966, ClinGen allele CA16620373.